The following is an entry in ClinVar:

NM_000398.7(CYB5R3):c.333+2_333+3dup

Gene: CYB5R3 (cytochrome b5 reductase 3; minus strand). Cytogenetic location: 22q13.2.
Variant type: Duplication.
Coding change: c.333+2_333+3dup on transcript NM_000398.7 (MANE Select); the canonical splice donor site of the intron after coding-DNA position 333 through 3 bases into the intron after coding-DNA position 333, 2 bases duplicated (TG; older notation c.333+2_333+3dupTG).
Molecular consequence: splice donor variant.
Genome position (GRCh38, 1-based): chr22:42,630,879-42,630,880, CA duplicated on the plus strand (TG on the coding strand, the reverse complement: CYB5R3 is on the minus strand); duplicating any 2 consecutive bases within chr22:42,630,879-42,630,881 gives the same sequence; the c. name uses the placement nearest the transcript's 3' end. VCF-style (leftmost placement, unchanged base first): chr22-42630878-T-TCA. GRCh37 (hg19) VCF-style: chr22-43026884-T-TCA.
Other names: c.264+2_264+3dup (NM_007326.4, NM_001171661.1, NM_001129819.2); c.432+2_432+3dup (NM_001171660.2).
Identifiers: ClinVar variation 3053340 (VCV003053340.3), dbSNP rs8190434, ClinGen allele CA10269824.
Genomic context (GRCh38, chr22:42,630,878, plus strand): 5'-ACATGGGCTGTTGCCATGGCCACCCACCCACACCCCCTCCACAGTCATGACCCAGAGGCT[T>TCA]CACCTTGATGACCAGGTCCACGAAGCCCTTGTCATCATCGCTGGAGATGGGTGTATAGGG-3'

ClinVar aggregate classification (germline): Uncertain significance. Review status: criteria provided, single submitter (1 of 4 stars). 2 submissions from 2 submitters: Uncertain significance (1). 1 of the submissions does not count toward it. Last evaluated 2025-10-01.

Conditions:
CYB5R3-related disorder. Also called: CYB5R3-related condition.

Submissions (2):

Labcorp Genetics (formerly Invitae), Labcorp
Classification: Uncertain significance. Last evaluated: 2025-10-01. Review status: criteria provided, single submitter. Criteria: Invitae Variant Classification Sherloc (09022015). Collection method: clinical testing. Allele origin: germline.
Comment: This sequence change falls in intron 4 of the CYB5R3 gene. It does not directly change the encoded amino acid sequence of the CYB5R3 protein. It affects a nucleotide within the consensus splice site. This variant is present in population databases (rs8190434, gnomAD 0.1%). This variant has not been reported in the literature in individuals affected with CYB5R3-related conditions. ClinVar contains an entry for this variant (Variation ID: 3053340). Variants that disrupt the consensus splice site are a relatively common cause of aberrant splicing (PMID: 17576681, 9536098). Algorithms developed to predict the effect of sequence changes on RNA splicing suggest that this variant is not likely to affect RNA splicing. In summary, the available evidence is currently insufficient to determine the role of this variant in disease. Therefore, it has been classified as a Variant of Uncertain Significance.

PreventionGenetics, part of Exact Sciences
Classification: Likely benign for CYB5R3-related condition. Last evaluated: 2019-08-14. Review status: no assertion criteria provided. Collection method: clinical testing. Allele origin: germline. Not counted in ClinVar's aggregate classification.
Comment: This variant is classified as likely benign based on ACMG/AMP sequence variant interpretation guidelines (Richards et al. 2015 PMID: 25741868, with internal and published modifications).

Literature cited by the submitters: PubMed 17576681 (cited by Labcorp Genetics (formerly Invitae), Labcorp); PubMed 9536098 (cited by Labcorp Genetics (formerly Invitae), Labcorp).